The following is an entry in ClinVar:

NM_020699.4(GATAD2B):c.884C>T (p.Ala295Val)

Gene: GATAD2B (GATA zinc finger domain containing 2B; minus strand). Cytogenetic location: 1q21.3.
Variant type: single nucleotide variant.
Coding change: c.884C>T on transcript NM_020699.4 (MANE Select); coding-DNA position 884, C replaced by T.
Protein change: p.Ala295Val; replaces alanine 295 with valine.
Molecular consequence: missense variant.
Genome position (GRCh38, 1-based): chr1:153,817,388, G>A on the plus strand (C>T on the coding strand, the complement: GATAD2B is on the minus strand). VCF-style: chr1-153817388-G-A. GRCh37 (hg19) VCF-style: chr1-153789864-G-A.
Other names: short protein forms A295V.
Identifiers: ClinVar variation 1522564 (VCV001522564.8), dbSNP rs370446862, ClinGen allele CA1120753.

ClinVar aggregate classification (germline): Uncertain significance (1 of 4 stars; one submission).

Allele frequency attached by ClinVar (database versions not stated): ExAC 0.00001; gnomAD exomes 0.00001 and 0.00002; TOPMed 0.00003; gnomAD 0.00004 and 0.00005; ESP Exome Variant Server 0.00015.
gnomAD v4.1: 33 of 1,574,008 alleles (0.0021%); highest among the groups gnomAD compares: Non-Finnish European, 0.0028%; no homozygotes.

Submission:

Labcorp Genetics (formerly Invitae), Labcorp
Classification: Uncertain significance. Last evaluated: 2024-10-16. Review status: criteria provided, single submitter. Criteria: Invitae Variant Classification Sherloc (09022015). Collection method: clinical testing. Allele origin: germline.
Comment: This sequence change replaces alanine, which is neutral and non-polar, with valine, which is neutral and non-polar, at codon 295 of the GATAD2B protein (p.Ala295Val). This variant is present in population databases (rs370446862, gnomAD 0.004%). This variant has not been reported in the literature in individuals affected with GATAD2B-related conditions. ClinVar contains an entry for this variant (Variation ID: 1522564). Invitae Evidence Modeling of protein sequence and biophysical properties (such as structural, functional, and spatial information, amino acid conservation, physicochemical variation, residue mobility, and thermodynamic stability) indicates that this missense variant is not expected to disrupt GATAD2B protein function with a negative predictive value of 80%. In summary, the available evidence is currently insufficient to determine the role of this variant in disease. Therefore, it has been classified as a Variant of Uncertain Significance.